The following is an entry in ClinVar:

NM_003873.7(NRP1):c.1263A>G (p.Val421=)

Gene: NRP1 (neuropilin 1; minus strand). Cytogenetic location: 10p11.22.
Variant type: single nucleotide variant.
Coding change: c.1263A>G on transcript NM_003873.7 (MANE Select); coding-DNA position 1263, A replaced by G.
Protein change: p.Val421=; no amino-acid change (valine 421 retained).
Molecular consequence: synonymous variant. On other transcripts: non-coding transcript variant (1).
Genome position (GRCh38, 1-based): chr10:33,221,738, T>C on the plus strand (A>G on the coding strand, the complement: NRP1 is on the minus strand). VCF-style: chr10-33221738-T-C. GRCh37 (hg19) VCF-style: chr10-33510666-T-C.
Other names: c.1263A>G, p.Val421= (NM_001024628.3, NM_001024629.3, NM_001244972.2 and 2 more transcripts).
Identifiers: ClinVar variation 3036715 (VCV003036715.2), dbSNP rs142055060, ClinGen allele CA5466690.

ClinVar aggregate classification (germline): Likely benign (0 of 4 stars; one submission).

Conditions:
NRP1-related disorder. Also called: NRP1-related condition.

Allele frequency attached by ClinVar (database versions not stated): TOPMed 0.00018; ESP Exome Variant Server 0.00023.
gnomAD v4.1: 26 of 1,613,918 alleles (0.0016%); highest among the groups gnomAD compares: Middle Eastern, 0.049%; 1 homozygote.

Submission:

PreventionGenetics, part of Exact Sciences
Classification: Likely benign for NRP1-related condition. Last evaluated: 2021-06-21. Review status: no assertion criteria provided. Collection method: clinical testing. Allele origin: germline.
Comment: This variant is classified as likely benign based on ACMG/AMP sequence variant interpretation guidelines (Richards et al. 2015 PMID: 25741868, with internal and published modifications).